The following is an entry in ClinVar:

NM_024685.4(BBS10):c.1245T>C (p.His415=)

Gene: BBS10 (Bardet-Biedl syndrome 10; minus strand). Cytogenetic location: 12q21.2.
Variant type: single nucleotide variant.
Coding change: c.1245T>C on transcript NM_024685.4 (MANE Select); coding-DNA position 1245, T replaced by C.
Protein change: p.His415=; no amino-acid change (histidine 415 retained).
Molecular consequence: synonymous variant.
Genome position (GRCh38, 1-based): chr12:76,346,740, A>G on the plus strand (T>C on the coding strand, the complement: BBS10 is on the minus strand). VCF-style: chr12-76346740-A-G. GRCh37 (hg19) VCF-style: chr12-76740520-A-G.
Other names: c.1245T>C, p.His415= (LRG_1255t1).
Identifiers: ClinVar variation 35750 (VCV000035750.19), dbSNP rs147241753, ClinGen allele CA260176.

ClinVar aggregate classification (germline): Benign/Likely benign. Review status: criteria provided, multiple submitters, no conflicts (2 of 4 stars). 5 submissions from 5 submitters: Benign (1); Likely benign (3). 1 of the submissions does not count toward it. Last evaluated 2026-02-04.

Conditions:
BBS10-related disorder. Also called: BBS10-related condition.
Bardet-Biedl syndrome (BBS). Identifiers: Orphanet 110, MedGen C0752166, MONDO:0015229.
Bardet-Biedl syndrome 10 (BBS10). Identifiers: Orphanet 110, MedGen C1859568, MONDO:0014438, OMIM 615987.

Allele frequency attached by ClinVar (database versions not stated): gnomAD exomes 0.00009 and 0.00031; gnomAD 0.00130 and 0.00123; 1000 Genomes Project 30x 0.00187; ESP Exome Variant Server 0.00238; ExAC 0.00042; TOPMed 0.00154; 1000 Genomes Project 0.00200.
gnomAD v4.1: 337 of 1,614,160 alleles (0.021%); highest among the groups gnomAD compares: African/African-American, 0.37%; 1 homozygote.

Submissions (5):

Labcorp Genetics (formerly Invitae), Labcorp
Classification: Benign for Bardet-Biedl syndrome. Last evaluated: 2026-02-04. Review status: criteria provided, single submitter. Criteria: Invitae Variant Classification Sherloc (09022015). Collection method: clinical testing. Allele origin: germline.

Blueprint Genetics
Classification: Likely benign. Last evaluated: 2024-11-27. Review status: criteria provided, single submitter. Criteria: ACMG Guidelines, 2015. Collection method: clinical testing. Allele origin: germline.

Fulgent Genetics
Classification: Likely benign for Bardet-Biedl syndrome 10. Last evaluated: 2021-09-16. Review status: criteria provided, single submitter. Criteria: ACMG Guidelines, 2015. Collection method: clinical testing. Allele origin: unknown.

Women's Health and Genetics/Laboratory Corporation of America, LabCorp
Classification: Likely benign for Bardet-Biedl Syndrome. Last evaluated: 2011-08-18. Review status: criteria provided, single submitter. Criteria: LabCorp Variant Classification Summary - May 2015. Collection method: clinical testing. Allele origin: germline. Inheritance: autosomal unknown.
ClinVar note: Converted during submission from likely benign to Likely benign.

PreventionGenetics, part of Exact Sciences
Classification: Likely benign for BBS10-related condition. Last evaluated: 2023-09-14. Review status: no assertion criteria provided. Collection method: clinical testing. Allele origin: germline. Not counted in ClinVar's aggregate classification.
Comment: This variant is classified as likely benign based on ACMG/AMP sequence variant interpretation guidelines (Richards et al. 2015 PMID: 25741868, with internal and published modifications).

Literature cited by the submitters: PubMed 20472660 (cited by Women's Health and Genetics/Laboratory Corporation of America, LabCorp).